The following is an entry in ClinVar:

ClinVar aggregate classification (germline): Uncertain significance. Review status: criteria provided, multiple submitters, no conflicts (2 of 4 stars). 3 submissions from 3 submitters: Uncertain significance (3). Last evaluated 2025-06-23.

Conditions:
KMT2D-related disorder. Also called: KMT2D-Related Disorders.
Kabuki syndrome. Also called: Kabuki make-up syndrome; NIIKAWA-KUROKI SYNDROME. Identifiers: Orphanet 2322, MedGen C0796004, MONDO:0016512.

Submissions (3):

PreventionGenetics, part of Exact Sciences
Classification: Uncertain significance for KMT2D-related condition. Last evaluated: 2025-06-23. Review status: criteria provided, single submitter. Criteria: ACMG Guidelines, 2015. Collection method: clinical testing. Allele origin: germline.
Comment: The KMT2D c.10186T>A variant is predicted to result in the amino acid substitution p.Leu3396Met. To our knowledge, this variant has not been reported in the literature or in a large population database (gnomAD), indicating this variant is rare. At this time, the clinical significance of this variant is uncertain due to the absence of conclusive functional and genetic evidence.

Women's Health and Genetics/Laboratory Corporation of America, LabCorp
Classification: Uncertain significance. Last evaluated: 2025-03-20. Review status: criteria provided, single submitter. Criteria: LabCorp Variant Classification Summary - May 2015. Collection method: clinical testing. Allele origin: germline.
Comment: Variant summary: KMT2D c.10186T>A (p.Leu3396Met) results in a conservative amino acid change in the encoded protein sequence. Three of four in-silico tools predict a benign effect of the variant on protein function. The variant was absent in 243060 control chromosomes. The available data on variant occurrences in the general population are insufficient to allow any conclusion about variant significance. To our knowledge, no occurrence of c.10186T>A in individuals affected with Kabuki Syndrome 1 and no experimental evidence demonstrating its impact on protein function have been reported. ClinVar contains an entry for this variant (Variation ID: 1473652). Based on the evidence outlined above, the variant was classified as uncertain significance.

Labcorp Genetics (formerly Invitae), Labcorp
Classification: Uncertain significance for Kabuki syndrome. Last evaluated: 2025-01-11. Review status: criteria provided, single submitter. Criteria: Invitae Variant Classification Sherloc (09022015). Collection method: clinical testing. Allele origin: germline.
Comment: This sequence change replaces leucine, which is neutral and non-polar, with methionine, which is neutral and non-polar, at codon 3396 of the KMT2D protein (p.Leu3396Met). This variant is not present in population databases (gnomAD no frequency). This variant has not been reported in the literature in individuals affected with KMT2D-related conditions. ClinVar contains an entry for this variant (Variation ID: 1473652). Invitae Evidence Modeling of protein sequence and biophysical properties (such as structural, functional, and spatial information, amino acid conservation, physicochemical variation, residue mobility, and thermodynamic stability) indicates that this missense variant is not expected to disrupt KMT2D protein function with a negative predictive value of 95%. In summary, the available evidence is currently insufficient to determine the role of this variant in disease. Therefore, it has been classified as a Variant of Uncertain Significance.

NM_003482.4(KMT2D):c.10186T>A (p.Leu3396Met)

Gene: KMT2D (lysine methyltransferase 2D; minus strand). Cytogenetic location: 12q13.12.
Variant type: single nucleotide variant.
Coding change: c.10186T>A on transcript NM_003482.4 (MANE Select); coding-DNA position 10186, T replaced by A.
Protein change: p.Leu3396Met; replaces leucine 3396 with methionine.
Molecular consequence: missense variant.
Genome position (GRCh38, 1-based): chr12:49,037,170, A>T on the plus strand (T>A on the coding strand, the complement: KMT2D is on the minus strand). VCF-style: chr12-49037170-A-T. GRCh37 (hg19) VCF-style: chr12-49430953-A-T.
Other names: c.10186T>A (NM_003482.3); short protein forms L3396M.
Identifiers: ClinVar variation 1473652 (VCV001473652.7), dbSNP rs750607749, ClinGen allele CA384731825.